The following is an entry in ClinVar:

ClinVar aggregate classification (germline): Uncertain significance (1 of 4 stars; one submission).

Conditions:
Landau-Kleffner syndrome (FESD). Also called: EPILEPSY, FOCAL, WITH SPEECH DISORDER AND WITH OR WITHOUT MENTAL RETARDATION; APHASIA, ACQUIRED, WITH EPILEPSY. Identifiers: Orphanet 1945, Orphanet 725, Orphanet 98818, MedGen C0282512, MONDO:0009509, OMIM 245570.

Allele frequency attached by ClinVar (database versions not stated): gnomAD exomes below 0.00001.

Submission:

Labcorp Genetics (formerly Invitae), Labcorp
Classification: Uncertain significance for Landau-Kleffner syndrome. Last evaluated: 2024-12-24. Review status: criteria provided, single submitter. Criteria: Invitae Variant Classification Sherloc (09022015). Collection method: clinical testing. Allele origin: germline.
Comment: This sequence change replaces histidine, which is basic and polar, with tyrosine, which is neutral and polar, at codon 405 of the GRIN2A protein (p.His405Tyr). This variant is not present in population databases (gnomAD no frequency). This variant has not been reported in the literature in individuals affected with GRIN2A-related conditions. ClinVar contains an entry for this variant (Variation ID: 2843206). Invitae Evidence Modeling of protein sequence and biophysical properties (such as structural, functional, and spatial information, amino acid conservation, physicochemical variation, residue mobility, and thermodynamic stability) indicates that this missense variant is expected to disrupt GRIN2A protein function with a positive predictive value of 95%. In summary, the available evidence is currently insufficient to determine the role of this variant in disease. Therefore, it has been classified as a Variant of Uncertain Significance.

NM_001134407.3(GRIN2A):c.1213C>T (p.His405Tyr)

Gene: GRIN2A (glutamate ionotropic receptor NMDA type subunit 2A; minus strand). Cytogenetic location: 16p13.2.
Variant type: single nucleotide variant.
Coding change: c.1213C>T on transcript NM_001134407.3 (MANE Select); coding-DNA position 1213, C replaced by T.
Protein change: p.His405Tyr; replaces histidine 405 with tyrosine.
Molecular consequence: missense variant.
Genome position (GRCh38, 1-based): chr16:9,849,871, G>A on the plus strand (C>T on the coding strand, the complement: GRIN2A is on the minus strand). VCF-style: chr16-9849871-G-A. GRCh37 (hg19) VCF-style: chr16-9943728-G-A.
Other names: c.1213C>T, p.His405Tyr (NM_000833.5, NM_001134408.2); short protein forms H405Y.
Identifiers: ClinVar variation 2843206 (VCV002843206.3), dbSNP rs2141369608, ClinGen allele CA394801158.